The following is an entry in ClinVar:

NM_021167.5(GATAD1):c.747A>G (p.Ile249Met)

Gene: GATAD1 (GATA zinc finger domain containing 1; plus strand). Cytogenetic location: 7q21.2.
Variant type: single nucleotide variant.
Coding change: c.747A>G on transcript NM_021167.5 (MANE Select); coding-DNA position 747, A replaced by G.
Protein change: p.Ile249Met; replaces isoleucine 249 with methionine.
Molecular consequence: missense variant. On other transcripts: non-coding transcript variant (1).
Genome position (GRCh38, 1-based): chr7:92,456,499, A>G. VCF-style: chr7-92456499-A-G. GRCh37 (hg19) VCF-style: chr7-92085813-A-G.
Other names: short protein forms I249M.
Identifiers: ClinVar variation 4857890 (VCV004857890.1).
Genomic context (GRCh38, chr7:92,456,499, plus strand): 5'-TTTCAAGTCACGGTCATCACCATTTCCCACAGTTCCCACCAGACCAGAGAAGGGCTACAT[A>G]TGGACTCATGTTGGGCCTACTCCTGCAATAACAATTAAGGAATCAGTTGCCAACCATTTG-3'
Protein context (NP_066990.3, residues 239-259): TVPTRPEKGY[Ile249Met]WTHVGPTPAI

ClinVar aggregate classification (germline): Uncertain significance (1 of 4 stars; one submission).

Conditions:
Cardiovascular phenotype. Identifiers: MedGen CN230736.

gnomAD v4.1: 1 of 1,612,810 alleles (0.000062%); highest among the groups gnomAD compares: Non-Finnish European, 0.000085%; no homozygotes.

Submission:

Ambry Genetics
Classification: Uncertain significance for Cardiovascular phenotype. Last evaluated: 2026-05-14. Review status: criteria provided, single submitter. Criteria: Ambry Variant Classification Scheme 2023. Collection method: clinical testing. Allele origin: germline.
Comment: The p.I249M variant (also known as c.747A>G), located in coding exon 5 of the GATAD1 gene, results from an A to G substitution at nucleotide position 747. The isoleucine at codon 249 is replaced by methionine, an amino acid with highly similar properties. This amino acid position is conserved. In addition, the in silico prediction for this alteration is inconclusive. Based on the available evidence, the clinical significance of this variant remains unclear.